The following is an entry in ClinVar:

ClinVar aggregate classification (germline): Uncertain significance (1 of 4 stars; one submission).

Conditions:
Cardiomyopathy (CMYO). Also called: Cardiomyopathies. Identifiers: Orphanet 167848, MedGen C0878544, MONDO:0004994, HP:0001638. Inheritance: Various modes of inheritance.

gnomAD v4.1: 1 of 1,614,114 alleles (0.000062%); highest among the groups gnomAD compares: South Asian, 0.0011%; no homozygotes.

Submission:

Color Diagnostics, LLC DBA Color Health
Classification: Uncertain significance for Cardiomyopathy. Last evaluated: 2022-09-19. Review status: criteria provided, single submitter. Criteria: ACMG Guidelines, 2015. Collection method: clinical testing. Allele origin: germline.
Comment: This variant alters the intron 4 canonical splice acceptor site of the TMEM43 gene. Splice prediction tools suggest that this variant may disrupt RNA splicing. To our knowledge, functional studies have not been reported for this variant. This variant has not been reported in individuals affected with cardiovascular disorders in the literature. This variant has not been identified in the general population by the Genome Aggregation Database (gnomAD). The role of loss-of-function TMEM43 truncation and splice variants in autosomal dominant cardiovascular disorders is not clearly established. The available evidence is insufficient to determine the role of this variant in disease conclusively. Therefore, this variant is classified as a Variant of Uncertain Significance.

NM_024334.3(TMEM43):c.393-2A>C

Gene: TMEM43 (transmembrane protein 43; plus strand). Cytogenetic location: 3p25.1.
Variant type: single nucleotide variant.
Coding change: c.393-2A>C on transcript NM_024334.3 (MANE Select); the canonical splice acceptor site of the intron before coding-DNA position 393, A replaced by C.
Molecular consequence: splice acceptor variant.
Genome position (GRCh38, 1-based): chr3:14,132,544, A>C. VCF-style: chr3-14132544-A-C. GRCh37 (hg19) VCF-style: chr3-14174044-A-C.
Other names: c.393-2A>C (NM_001407274.1, NM_001407276.1, NM_001407275.1 and 2 more transcripts); c.378-2A>C (NM_001407278.1); c.243-2A>C (NM_001407280.1).
Identifiers: ClinVar variation 2774593 (VCV002774593.2), dbSNP rs1304467714, ClinGen allele CA351534967.